The following is an entry in ClinVar:

NM_000051.4(ATM):c.6247G>A (p.Gly2083Arg)

Genes: ATM (ATM serine/threonine kinase; plus strand), C11orf65 (chromosome 11 open reading frame 65; minus strand). Cytogenetic location: 11q22.3.
Variant type: single nucleotide variant.
Coding change: c.6247G>A on transcript NM_000051.4 (MANE Select); coding-DNA position 6247, G replaced by A.
Protein change: p.Gly2083Arg; replaces glycine 2083 with arginine.
Molecular consequence: missense variant. On other transcripts: intron variant (2).
Genome position (GRCh38, 1-based): chr11:108,317,421, G>A. VCF-style: chr11-108317421-G-A. GRCh37 (hg19) VCF-style: chr11-108188148-G-A.
Other names: c.6247G>A, p.Gly2083Arg (NM_001351834.2); c.641-8350C>T (NM_001330368.2); c.*39-8350C>T (NM_001351110.2); short protein forms G2083R.
Identifiers: ClinVar variation 407533 (VCV000407533.22), dbSNP rs1060501586, ClinGen allele CA16613096.

ClinVar aggregate classification (germline): Uncertain significance. Review status: criteria provided, multiple submitters, no conflicts (2 of 4 stars). 5 submissions from 5 submitters: Uncertain significance (5). Last evaluated 2025-05-12.

Conditions:
Hereditary cancer-predisposing syndrome. Also called: Neoplastic Syndromes, Hereditary; Hereditary Cancer Syndrome; Tumor predisposition; Hereditary neoplastic syndrome. Identifiers: Orphanet 140162, MedGen C0027672, MeSH D009386, MONDO:0015356.
Ataxia-telangiectasia syndrome (AT). Also called: LOUIS-BAR SYNDROME; Cerebello-oculocutaneous telangiectasia; Immunodeficiency with ataxia telangiectasia; Ataxia-telangiectasia, complementation group D; AT, COMPLEMENTATION GROUP C; Ataxia-telangiectasia, complementation group E. Identifiers: Orphanet 100, MedGen C0004135, MONDO:0008840, OMIM 208900.
Familial cancer of breast. Also called: Hereditary breast cancer; BREAST CANCER, FAMILIAL; hereditary breast carcinoma. Identifiers: Orphanet 227535, MedGen C0346153, MONDO:0016419, OMIM 114480. Disease mechanism: loss of function.

Allele frequency attached by ClinVar (database versions not stated): TOPMed below 0.00001; gnomAD 0.00001.
gnomAD v4.1: 2 of 1,612,124 alleles (0.00012%); highest among the groups gnomAD compares: African/African-American, 0.0027%; no homozygotes.

Submissions (5):

Labcorp Genetics (formerly Invitae), Labcorp
Classification: Uncertain significance for Ataxia-telangiectasia syndrome. Last evaluated: 2025-05-12. Review status: criteria provided, single submitter. Criteria: Invitae Variant Classification Sherloc (09022015). Collection method: clinical testing. Allele origin: germline.
Comment: This sequence change replaces glycine, which is neutral and non-polar, with arginine, which is basic and polar, at codon 2083 of the ATM protein (p.Gly2083Arg). This variant is present in population databases (no rsID available, gnomAD 0.01%). This variant has not been reported in the literature in individuals affected with ATM-related conditions. ClinVar contains an entry for this variant (Variation ID: 407533). Invitae Evidence Modeling of protein sequence and biophysical properties (such as structural, functional, and spatial information, amino acid conservation, physicochemical variation, residue mobility, and thermodynamic stability) indicates that this missense variant is not expected to disrupt ATM protein function with a negative predictive value of 95%. In summary, the available evidence is currently insufficient to determine the role of this variant in disease. Therefore, it has been classified as a Variant of Uncertain Significance.

Ambry Genetics
Classification: Uncertain significance for Hereditary cancer-predisposing syndrome. Last evaluated: 2024-06-21. Review status: criteria provided, single submitter. Criteria: Ambry Variant Classification Scheme 2023. Collection method: clinical testing. Allele origin: germline.
Comment: The p.G2083R variant (also known as c.6247G>A), located in coding exon 42 of the ATM gene, results from a G to A substitution at nucleotide position 6247. The glycine at codon 2083 is replaced by arginine, an amino acid with dissimilar properties. This amino acid position is highly conserved in available vertebrate species. In addition, this alteration is predicted to be tolerated by in silico analysis. Based on the available evidence, the clinical significance of this variant remains unclear.

Color Diagnostics, LLC DBA Color Health
Classification: Uncertain significance for Hereditary cancer-predisposing syndrome. Last evaluated: 2023-10-26. Review status: criteria provided, single submitter. Criteria: ACMG Guidelines, 2015. Collection method: clinical testing. Allele origin: germline.
Comment: This missense variant replaces glycine with arginine at codon 2083 of the ATM protein. Computational prediction suggests that this variant may not impact protein structure and function (internally defined REVEL score threshold <= 0.5, PMID: 27666373). To our knowledge, functional studies have not been reported for this variant. This variant has not been reported in individuals affected with ATM-related disorders in the literature. This variant has been identified in 1/31036 chromosomes in the general population by the Genome Aggregation Database (gnomAD). The available evidence is insufficient to determine the role of this variant in disease conclusively. Therefore, this variant is classified as a Variant of Uncertain Significance.

Baylor Genetics
Classification: Uncertain significance for Familial cancer of breast. Last evaluated: 2023-08-01. Review status: criteria provided, single submitter. Criteria: ACMG Guidelines, 2015. Collection method: clinical testing. Allele origin: unknown.

Quest Diagnostics Nichols Institute San Juan Capistrano
Classification: Uncertain significance. Last evaluated: 2021-08-26. Review status: criteria provided, single submitter. Criteria: Quest Diagnostics criteria. Collection method: clinical testing. Allele origin: unknown.